The following is an entry in ClinVar:

NM_006494.4(ERF):c.292A>G (p.Lys98Glu)

Gene: ERF (ETS2 repressor factor; minus strand). Cytogenetic location: 19q13.2.
Variant type: single nucleotide variant.
Coding change: c.292A>G on transcript NM_006494.4 (MANE Select); coding-DNA position 292, A replaced by G.
Protein change: p.Lys98Glu; replaces lysine 98 with glutamic acid.
Molecular consequence: missense variant. On other transcripts: 5 prime UTR variant (1).
Genome position (GRCh38, 1-based): chr19:42,249,908, T>C on the plus strand (A>G on the coding strand, the complement: ERF is on the minus strand). VCF-style: chr19-42249908-T-C. GRCh37 (hg19) VCF-style: chr19-42754060-T-C.
Other names: c.67A>G, p.Lys23Glu (NM_001301035.2, NM_001308402.2, NM_001312656.2 and 1 more transcripts); c.-516A>G (NM_001440421.1); short protein forms K23E, K98E.
Identifiers: ClinVar variation 4839624 (VCV004839624.1).
Genomic context (GRCh38, chr19:42,249,908, plus strand): 5'-ATGGGTAATTGACCAGCACCAGTTTGTTGAAATTGAACTTGTAGGTGAACCGTTTCCCCT[T>C]GGTCTTGTGCAGAATGCGCTTGTTATAGTAATAGCTGTGGGTACAGAAATGCCATTGGGA-3'
Protein context (NP_006485.2, residues 88-108): YYNKRILHKT[Lys98Glu]GKRFTYKFNF

ClinVar aggregate classification (germline): Uncertain significance (1 of 4 stars; one submission).

Conditions:
Inborn genetic diseases. Identifiers: MedGen C0950123, MeSH D030342.

Submission:

Ambry Genetics
Classification: Uncertain significance for Inborn genetic diseases. Last evaluated: 2026-02-02. Review status: criteria provided, single submitter. Criteria: Ambry Variant Classification Scheme 2023. Collection method: clinical testing. Allele origin: germline.
Comment: The c.292A>G (p.K98E) alteration is located in exon 3 (coding exon 3) of the ERF gene. This alteration results from an A to G substitution at nucleotide position 292, causing the lysine (K) at amino acid position 98 to be replaced by a glutamic acid (E). This variant was not reported in population-based cohorts in the Genome Aggregation Database (gnomAD). This amino acid position is highly conserved in available vertebrate species. This missense variant is located in a region that has a low rate of benign missense variation (Lek, 2016; Firth, 2009). This alteration is predicted to be tolerated by in silico analysis. Based on insufficient or conflicting evidence, the clinical significance of this alteration remains unclear.